The following is an entry in ClinVar:

ClinVar aggregate classification (germline): Likely benign (1 of 4 stars; one submission).

Allele frequency attached by ClinVar (database versions not stated): gnomAD exomes below 0.00001; gnomAD 0.00001; TOPMed 0.00001.
gnomAD v4.1: 5 of 1,614,034 alleles (0.00031%); highest among the groups gnomAD compares: African/African-American, 0.0013%; no homozygotes.

Submission:

GeneDx
Classification: Likely benign. Last evaluated: 2018-01-25. Review status: criteria provided, single submitter. Criteria: GeneDx Variant Classification (06012015). Collection method: clinical testing. Allele origin: germline. Affected: yes.
Comment: This variant is considered likely benign or benign based on one or more of the following criteria: it is a conservative change, it occurs at a poorly conserved position in the protein, it is predicted to be benign by multiple in silico algorithms, and/or has population frequency not consistent with disease.

NM_020312.4(COQ9):c.192G>A (p.Glu64=)

Gene: COQ9 (coenzyme Q9; plus strand). Cytogenetic location: 16q21.
Variant type: single nucleotide variant.
Coding change: c.192G>A on transcript NM_020312.4 (MANE Select); coding-DNA position 192, G replaced by A.
Protein change: p.Glu64=; no amino-acid change (glutamic acid 64 retained).
Molecular consequence: synonymous variant.
Genome position (GRCh38, 1-based): chr16:57,451,158, G>A. VCF-style: chr16-57451158-G-A. GRCh37 (hg19) VCF-style: chr16-57485070-G-A.
Identifiers: ClinVar variation 509395 (VCV000509395.1), dbSNP rs1324967781, ClinGen allele CA495627146.